The following is an entry in ClinVar:

NM_001166108.2(PALLD):c.2057G>A (p.Arg686Gln)

Gene: PALLD (palladin, cytoskeletal associated protein; plus strand). Cytogenetic location: 4q32.3.
Variant type: single nucleotide variant.
Coding change: c.2057G>A on transcript NM_001166108.2 (MANE Select); coding-DNA position 2057, G replaced by A.
Protein change: p.Arg686Gln; replaces arginine 686 with glutamine.
Molecular consequence: missense variant. On other transcripts: 5 prime UTR variant (4).
Genome position (GRCh38, 1-based): chr4:168,891,014, G>A. VCF-style: chr4-168891014-G-A. GRCh37 (hg19) VCF-style: chr4-169812165-G-A.
Other names: c.596G>A (NM_001166110.1); c.911G>A, p.Arg304Gln (NM_001166109.2); c.596G>A, p.Arg199Gln (NM_001166110.2); c.-65G>A (NM_001367567.1, NM_001367568.1, NM_001367569.1 and 1 more transcripts); c.2057G>A, p.Arg686Gln (NM_016081.4); short protein forms R304Q, R686Q, R199Q.
Identifiers: ClinVar variation 1364967 (VCV001364967.8), dbSNP rs1031710807, ClinGen allele CA110517288.

ClinVar aggregate classification (germline): Uncertain significance. Review status: criteria provided, multiple submitters, no conflicts (2 of 4 stars). 3 submissions from 3 submitters: Uncertain significance (3). Last evaluated 2025-01-16.

Conditions:
Pancreatic adenocarcinoma. Identifiers: MedGen C0281361, MONDO:0006047, HP:0006725.
Pancreatic cancer, susceptibility to, 1. Identifiers: Orphanet 1333, MedGen C1847351, MONDO:0011739, OMIM 606856.

Allele frequency attached by ClinVar (database versions not stated): gnomAD exomes below 0.00001; gnomAD 0.00001; TOPMed 0.00001.
gnomAD v4.1: 9 of 1,613,976 alleles (0.00056%); highest among the groups gnomAD compares: African/African-American, 0.0013%; no homozygotes.

Submissions (3):

Ambry Genetics
Classification: Uncertain significance. Last evaluated: 2025-01-16. Review status: criteria provided, single submitter. Criteria: Ambry Variant Classification Scheme 2023. Collection method: clinical testing. Allele origin: germline.
Comment: The p.R199Q variant (also known as c.596G>A), located in coding exon 2 of the PALLD gene, results from a G to A substitution at nucleotide position 596. The arginine at codon 199 is replaced by glutamine, an amino acid with highly similar properties. This amino acid position is conserved. In addition, the in silico prediction for this alteration is inconclusive. Based on the available evidence, the clinical significance of this variant remains unclear.

Fulgent Genetics
Classification: Uncertain significance for Pancreatic cancer, susceptibility to, 1. Last evaluated: 2024-04-16. Review status: criteria provided, single submitter. Criteria: ACMG Guidelines, 2015. Collection method: clinical testing. Allele origin: germline.

Labcorp Genetics (formerly Invitae), Labcorp
Classification: Uncertain significance for Pancreatic adenocarcinoma. Last evaluated: 2022-07-11. Review status: criteria provided, single submitter. Criteria: Invitae Variant Classification Sherloc (09022015). Collection method: clinical testing. Allele origin: germline.
Comment: Algorithms developed to predict the effect of missense changes on protein structure and function are either unavailable or do not agree on the potential impact of this missense change (SIFT: "Deleterious"; PolyPhen-2: "Benign"; Align-GVGD: "Class C35"). In summary, the available evidence is currently insufficient to determine the role of this variant in disease. Therefore, it has been classified as a Variant of Uncertain Significance. ClinVar contains an entry for this variant (Variation ID: 1364967). This variant has not been reported in the literature in individuals affected with PALLD-related conditions. This variant is present in population databases (no rsID available, gnomAD 0.004%). This sequence change replaces arginine, which is basic and polar, with glutamine, which is neutral and polar, at codon 199 of the PALLD protein (p.Arg199Gln).